The following is an entry in ClinVar:

ClinVar aggregate classification (germline): Uncertain significance. Review status: criteria provided, multiple submitters, no conflicts (2 of 4 stars). 2 submissions from 2 submitters: Uncertain significance (2). Last evaluated 2024-05-10.

Conditions:
Fraser syndrome 1 (FRASRS1). Also called: CRYPTOPHTHALMOS WITH OTHER MALFORMATIONS. Identifiers: Orphanet 2052, MedGen C4551480, MONDO:0054737, OMIM 219000.

Allele frequency attached by ClinVar (database versions not stated): gnomAD exomes below 0.00001.
gnomAD v4.1: 2 of 1,613,454 alleles (0.00012%); highest among the groups gnomAD compares: Non-Finnish European, 0.00017%; no homozygotes.

Submissions (2):

Fulgent Genetics
Classification: Uncertain significance for Fraser syndrome 1. Last evaluated: 2024-05-10. Review status: criteria provided, single submitter. Criteria: ACMG Guidelines, 2015. Collection method: clinical testing. Allele origin: germline.

Labcorp Genetics (formerly Invitae), Labcorp
Classification: Uncertain significance. Last evaluated: 2021-10-25. Review status: criteria provided, single submitter. Criteria: Invitae Variant Classification Sherloc (09022015). Collection method: clinical testing. Allele origin: germline.
Comment: In summary, the available evidence is currently insufficient to determine the role of this variant in disease. Therefore, it has been classified as a Variant of Uncertain Significance. Algorithms developed to predict the effect of missense changes on protein structure and function output the following: SIFT: "Tolerated"; PolyPhen-2: "Benign"; Align-GVGD: "Class C0". The leucine amino acid residue is found in multiple mammalian species, which suggests that this missense change does not adversely affect protein function. This variant has not been reported in the literature in individuals affected with FRAS1-related conditions. This variant is not present in population databases (ExAC no frequency). This sequence change replaces phenylalanine with leucine at codon 1376 of the FRAS1 protein (p.Phe1376Leu). The phenylalanine residue is highly conserved and there is a small physicochemical difference between phenylalanine and leucine.

NM_025074.7(FRAS1):c.4128T>G (p.Phe1376Leu)

Gene: FRAS1 (Fraser extracellular matrix complex subunit 1; plus strand). Cytogenetic location: 4q21.21.
Variant type: single nucleotide variant.
Coding change: c.4128T>G on transcript NM_025074.7 (MANE Select); coding-DNA position 4128, T replaced by G.
Protein change: p.Phe1376Leu; replaces phenylalanine 1376 with leucine.
Molecular consequence: missense variant.
Genome position (GRCh38, 1-based): chr4:78,400,886, T>G. VCF-style: chr4-78400886-T-G. GRCh37 (hg19) VCF-style: chr4-79322040-T-G.
Other names: c.4128T>G, p.Phe1376Leu (NM_001166133.2); short protein forms F1376L.
Identifiers: ClinVar variation 1346526 (VCV001346526.7), dbSNP rs2110345509, ClinGen allele CA357379728.